The following is an entry in ClinVar:

NM_000059.4(BRCA2):c.8488-108C>T

Gene: BRCA2 (BRCA2 DNA repair associated; plus strand). Cytogenetic location: 13q13.1.
Variant type: single nucleotide variant.
Coding change: c.8488-108C>T on transcript NM_000059.4 (MANE Select); 108 bases into the intron before coding-DNA position 8488, C replaced by T.
Molecular consequence: intron variant.
Genome position (GRCh38, 1-based): chr13:32,370,848, C>T. VCF-style: chr13-32370848-C-T. GRCh37 (hg19) VCF-style: chr13-32944985-C-T.
Other names: IVS 19-108C>T.
Identifiers: ClinVar variation 209814 (VCV000209814.3), dbSNP rs11571745, ClinGen allele CA276782.

ClinVar aggregate classification (germline): Benign. Review status: reviewed by expert panel (3 of 4 stars). 3 submissions from 3 submitters: Benign (1). 2 of the submissions do not count toward it. Last evaluated 2015-01-12.

Conditions:
Breast-ovarian cancer, familial, susceptibility to, 2 (BROVCA2). Also called: BRCA2 Hereditary Breast and Ovarian Cancer. Identifiers: Orphanet 145, MedGen C2675520, MONDO:0012933, OMIM 612555. Disease mechanism: loss of function.

Allele frequency attached by ClinVar (database versions not stated): gnomAD exomes 0.00020; gnomAD 0.00224 and 0.00241; 1000 Genomes Project 30x 0.00234; TOPMed 0.00249; 1000 Genomes Project 0.00260.
gnomAD v4.1: 600 of 1,396,934 alleles (0.043%); highest among the groups gnomAD compares: African/African-American, 0.78%; 1 homozygote.

Submissions (3):

Evidence-based Network for the Interpretation of Germline Mutant Alleles (ENIGMA)
Classification: Benign for Breast-ovarian cancer, familial 2. Last evaluated: 2015-01-12. Review status: reviewed by expert panel. Criteria: ENIGMA BRCA1/2 Classification Criteria (2015). Collection method: curation. Allele origin: germline.
Comment: Class 1 not pathogenic based on frequency >1% in an outbred sampleset. Frequency 0.01016 (African), derived from 1000 genomes (2012-04-30).

Department of Pathology and Laboratory Medicine, Sinai Health System
Classification: Likely benign. Last evaluated: 2017-10-25. Review status: criteria provided, single submitter. Criteria: ACMG Guidelines, 2015. Collection method: clinical testing. Allele origin: germline. Affected: yes. Study: Canadian Open Genetics Repository (COGR). Not counted in ClinVar's aggregate classification.

Breakthrough Genomics
Classification: Benign. Review status: criteria provided, single submitter. Criteria: ACMG Guidelines, 2015. Collection method: not provided. Allele origin: germline. Inheritance: Autosomal recessive inheritance. Affected: yes. Not counted in ClinVar's aggregate classification.